The following is an entry in ClinVar:

ClinVar aggregate classification (germline): Likely pathogenic (1 of 4 stars; one submission).

Conditions:
Cardiovascular phenotype. Identifiers: MedGen CN230736.

Submission:

Ambry Genetics
Classification: Likely pathogenic for Cardiovascular phenotype. Last evaluated: 2024-11-25. Review status: criteria provided, single submitter. Criteria: Ambry Variant Classification Scheme 2023. Collection method: clinical testing. Allele origin: germline.
Comment: The p.C17938* variant (also known as c.53814C>A), located in coding exon 153 of the TTN gene, results from a C to A substitution at nucleotide position 53814. This changes the amino acid from a cysteine to a stop codon within coding exon 153. This exon is located in the A-band region of the N2-B isoform of the titin protein and is constitutively expressed in TTN transcripts (percent spliced in or PSI 100%). This alteration is expected to result in loss of function by premature protein truncation or nonsense-mediated mRNA decay. While truncating variants in TTN are present in 1-3% of the general population, truncating variants in the A-band are the most common cause of dilated cardiomyopathy (DCM) (Herman DS et al. N. Engl. J. Med., 2012 Feb;366:619-28; Roberts AM et al. Sci Transl Med, 2015 Jan;7:270ra6). TTN truncating variants encoded in constitutive exons (PSI >90%) have been found to be significantly associated with DCM regardless of their position in titin (Schafer S et al. Nat. Genet., 2017 01;49:46-53). This variant is considered to be rare based on population cohorts in the Genome Aggregation Database (gnomAD). Based on the majority of available evidence to date, this variant is likely to be pathogenic.

NM_001267550.2(TTN):c.81009C>A (p.Cys27003Ter)

Genes: TTN (titin; minus strand), TTN-AS1 (TTN antisense RNA 1; plus strand). Cytogenetic location: 2q31.2.
Variant type: single nucleotide variant.
Coding change: c.81009C>A on transcript NM_001267550.2 (MANE Select); coding-DNA position 81009, C replaced by A.
Protein change: p.Cys27003Ter; replaces cysteine 27003 with a stop codon.
Molecular consequence: nonsense.
Genome position (GRCh38, 1-based): chr2:178,565,123, G>T on the plus strand (C>A on the coding strand, the complement: TTN is on the minus strand). VCF-style: chr2-178565123-G-T. GRCh37 (hg19) VCF-style: chr2-179429850-G-T.
Other names: c.76086C>A, p.Cys25362Ter (NM_001256850.1); c.53814C>A, p.Cys17938Ter (NM_003319.4); c.73305C>A, p.Cys24435Ter (NM_133378.4); c.54189C>A, p.Cys18063Ter (NM_133432.3); c.54390C>A, p.Cys18130Ter (NM_133437.4); short protein forms C18063*, C25362*, C27003*, C17938*, C24435*, C18130*.
Identifiers: ClinVar variation 3464241 (VCV003464241.1).